The following is an entry in ClinVar:

NM_015915.5(ATL1):c.1502G>C (p.Arg501Pro)

Gene: ATL1 (atlastin GTPase 1; plus strand). Cytogenetic location: 14q22.1.
Variant type: single nucleotide variant.
Coding change: c.1502G>C on transcript NM_015915.5 (MANE Select); coding-DNA position 1502, G replaced by C.
Protein change: p.Arg501Pro; replaces arginine 501 with proline.
Molecular consequence: missense variant.
Genome position (GRCh38, 1-based): chr14:50,628,413, G>C. VCF-style: chr14-50628413-G-C. GRCh37 (hg19) VCF-style: chr14-51095131-G-C.
Other names: c.1502G>C, p.Arg501Pro (NM_001127713.1, NM_181598.4); short protein forms R501P.
Identifiers: ClinVar variation 665259 (VCV000665259.8), dbSNP rs374795927, ClinGen allele CA389676429.

ClinVar aggregate classification (germline): Uncertain significance (1 of 4 stars; one submission).

Conditions:
Hereditary spastic paraplegia 3A (SPG3A). Also called: Spastic paraplegia 3A, autosomal dominant; SPASTIC PARAPLEGIA 3, AUTOSOMAL DOMINANT; FAMILIAL SPASTIC PARAPLEGIA, AUTOSOMAL DOMINANT, 1; SPG3; STRUMPELL DISEASE; Spastic Paraplegia 3A. Identifiers: Orphanet 100984, MedGen C2931355, MONDO:0008437, OMIM 182600.

Submission:

Labcorp Genetics (formerly Invitae), Labcorp
Classification: Uncertain significance for Hereditary spastic paraplegia 3A. Last evaluated: 2024-03-07. Review status: criteria provided, single submitter. Criteria: Invitae Variant Classification Sherloc (09022015). Collection method: clinical testing. Allele origin: germline.
Comment: This sequence change replaces arginine, which is basic and polar, with proline, which is neutral and non-polar, at codon 501 of the ATL1 protein (p.Arg501Pro). This variant is not present in population databases (gnomAD no frequency). This variant has not been reported in the literature in individuals affected with ATL1-related conditions. ClinVar contains an entry for this variant (Variation ID: 665259). An algorithm developed to predict the effect of missense changes on protein structure and function (PolyPhen-2) suggests that this variant is likely to be tolerated. In summary, the available evidence is currently insufficient to determine the role of this variant in disease. Therefore, it has been classified as a Variant of Uncertain Significance.